The following is an entry in ClinVar:

NM_000492.4(CFTR):c.1602A>G (p.Ala534=)

Genes: CFTR (CF transmembrane conductance regulator; plus strand), LOC111674475 (CFTR intron 11 enhancer; plus strand). Cytogenetic location: 7q31.2.
Variant type: single nucleotide variant.
Coding change: c.1602A>G on transcript NM_000492.4 (MANE Select); coding-DNA position 1602, A replaced by G.
Protein change: p.Ala534=; no amino-acid change (alanine 534 retained).
Molecular consequence: synonymous variant.
Genome position (GRCh38, 1-based): chr7:117,587,756, A>G. VCF-style: chr7-117587756-A-G. GRCh37 (hg19) VCF-style: chr7-117227810-A-G.
Identifiers: ClinVar variation 911099 (VCV000911099.24), dbSNP rs1584810152, ClinGen allele CA457227225.
Genomic context (GRCh38, chr7:117,587,756, plus strand): 5'-GCATACTAAAAGTGACTCTCTAATTTTCTATTTTTGGTAATAGGACATCTCCAAGTTTGC[A>G]GAGAAAGACAATATAGTTCTTGGAGAAGGTGGAATCACACTGAGTGGAGGTCAACGAGCA-3'
Protein context (NP_000483.3, residues 524-544): CQLEEDISKF[Ala534=]EKDNIVLGEG

ClinVar aggregate classification (germline): Conflicting classifications of pathogenicity. Review status: criteria provided, conflicting classifications (1 of 4 stars). 7 submissions from 6 submitters: Uncertain significance (3); Likely benign (4). Last evaluated 2026-01-01.

Conditions:
Cystic fibrosis (CF). Also called: MUCOVISCIDOSIS. Identifiers: Orphanet 586, MedGen C0010674, MONDO:0009061, OMIM 219700. Disease mechanism: loss of function.
CFTR-related disorder (CFTR-RD). Also called: CFTR-related disorders; CFTR-related condition. Identifiers: MedGen C5924204, MONDO:7770004.
Congenital bilateral aplasia of vas deferens from CFTR mutation (CBAVD). Identifiers: Orphanet 48, MedGen C0403814, MONDO:0010178, OMIM 277180. Disease mechanism: loss of function.

Submissions (7):

CeGaT Center for Human Genetics Tuebingen
Classification: Likely benign. Last evaluated: 2026-01-01. Review status: criteria provided, single submitter. Criteria: CeGaT Center For Human Genetics Tuebingen Variant Classification Criteria Version 2. Collection method: clinical testing. Allele origin: germline. Affected: yes. Observed: 1 variant allele.
Comment: CFTR: PM2:Supporting, BP4, BP7

Labcorp Genetics (formerly Invitae), Labcorp
Classification: Likely benign for Cystic fibrosis. Last evaluated: 2023-06-27. Review status: criteria provided, single submitter. Criteria: Invitae Variant Classification Sherloc (09022015). Collection method: clinical testing. Allele origin: germline.

Blueprint Genetics
Classification: Likely benign. Last evaluated: 2022-04-07. Review status: criteria provided, single submitter. Criteria: ACMG Guidelines, 2015. Collection method: clinical testing. Allele origin: germline.

Genome-Nilou Lab
Classification: Uncertain significance for Cystic fibrosis. Last evaluated: 2021-07-22. Review status: criteria provided, single submitter. Criteria: ACMG Guidelines, 2015. Collection method: clinical testing. Allele origin: germline. Affected: no.

Genome-Nilou Lab
Classification: Uncertain significance for Congenital bilateral aplasia of vas deferens from CFTR mutation. Last evaluated: 2021-07-22. Review status: criteria provided, single submitter. Criteria: ACMG Guidelines, 2015. Collection method: clinical testing. Allele origin: germline. Affected: no.

Ambry Genetics
Classification: Likely benign for Cystic fibrosis. Last evaluated: 2020-03-16. Review status: criteria provided, single submitter. Criteria: Ambry Variant Classification Scheme 2023. Collection method: clinical testing. Allele origin: germline.

Illumina Laboratory Services, Illumina
Classification: Uncertain significance for CFTR-Related Disorders. Last evaluated: 2017-04-28. Review status: criteria provided, single submitter. Criteria: ICSL Variant Classification Criteria 13 December 2019. Collection method: clinical testing. Allele origin: germline.